The following is an entry in ClinVar:

ClinVar aggregate classification (germline): Conflicting classifications of pathogenicity. Review status: criteria provided, conflicting classifications (1 of 4 stars). 18 submissions from 17 submitters: Pathogenic (10); Likely pathogenic (2); Uncertain significance (5). 1 of the submissions does not count toward it. Last evaluated 2026-08-10.

Conditions:
Walker-Warburg congenital muscular dystrophy. Also called: Muscular dystrophy-dystroglycanopathy, type A; Walker-Warburg syndrome. Identifiers: Orphanet 899, MedGen C0265221, MONDO:0000171.
FKRP-related disorder. Also called: FKRP-related condition.
Cardiovascular phenotype. Identifiers: MedGen CN230736.
Muscular dystrophy-dystroglycanopathy (congenital with brain and eye anomalies), type A5. Also called: MUSCULAR DYSTROPHY-DYSTROGLYCANOPATHY (CONGENITAL WITH BRAIN AND EYE ANOMALIES), TYPE A, 5; WALKER-WARBURG SYNDROME OR MUSCLE-EYE-BRAIN DISEASE, FKRP-RELATED. Identifiers: Orphanet 588, Orphanet 899, MedGen C3150413, MONDO:0013157, OMIM 613153.
Muscular dystrophy-dystroglycanopathy (congenital with brain and eye anomalies), type A1 (MDDGA1). Also called: COD-MD SYNDROME; Muscular dystrophy-dystroglycanopathy (congenital with brain and eye anomalies), type A, 1; WALKER-WARBURG SYNDROME OR MUSCLE-EYE-BRAIN DISEASE, POMT1-RELATED; Hydrocephalus, agyria and retinal dysplasia; Hard +/- E syndrome; Warburg syndrome. Identifiers: Orphanet 588, Orphanet 899, MedGen C4284790, MONDO:0009364, OMIM 236670.
Autosomal recessive limb-girdle muscular dystrophy type 2I. Also called: MUSCULAR DYSTROPHY-DYSTROGLYCANOPATHY (LIMB-GIRDLE), TYPE C, 5; MUSCULAR DYSTROPHY-DYSTROGLYCANOPATHY, LIMB-GIRDLE, FRKP-RELATED; MUSCULAR DYSTROPHY, LIMB-GIRDLE, TYPE 2I. Identifiers: Orphanet 34515, MedGen C1846672, MONDO:0011787, OMIM 607155.
Muscular dystrophy-dystroglycanopathy type B5 (MDDGB5). Also called: MUSCULAR DYSTROPHY-DYSTROGLYCANOPATHY (CONGENITAL WITH OR WITHOUT IMPAIRED INTELLECTUAL DEVELOPMENT), TYPE B, 5; MUSCULAR DYSTROPHY, CONGENITAL, 1C; MUSCULAR DYSTROPHY, CONGENITAL, FKRP-RELATED. Identifiers: MedGen C1847759, MONDO:0011688, OMIM 606612.

Allele frequency attached by ClinVar (database versions not stated): gnomAD exomes 0.00014; ExAC 0.00027; TOPMed 0.00008; ESP Exome Variant Server 0.00023; gnomAD 0.00011.
gnomAD v4.1: 132 of 1,595,158 alleles (0.0083%); highest among the groups gnomAD compares: Non-Finnish European, 0.0027%; no homozygotes.

Submissions 1 to 9 of 18:

Ambry Genetics
Classification: Pathogenic for Cardiovascular phenotype. Last evaluated: 2026-08-10. Review status: criteria provided, single submitter. Criteria: Ambry Variant Classification Scheme 2023. Collection method: clinical testing. Allele origin: germline.
Comment: The p.P358L pathogenic mutation (also known as c.1073C>T), located in coding exon 1 of the FKRP gene, results from a C to T substitution at nucleotide position 1073. The proline at codon 358 is replaced by leucine, an amino acid with similar properties. This variant has been identified in the homozygous state and/or in conjunction with other FKRP variant(s) in individual(s) with features consistent with limb girdle muscular dystrophy; however, clinical details were limited in some cases (de Paula F et al. Eur J Hum Genet, 2003 Dec;11:923-30; Boito CA et al. Arch Neurol, 2005 Dec;62:1894-9; Sframeli M et al. Neuromuscul Disord, 2017 Sep;27:793-803; Wu L et al. Can J Neurol Sci, 2018 May;45:262-268; Murphy LB et al. Ann Clin Transl Neurol, 2020 May;7:757-766; Krenn M et al. Eur J Neurol, 2022 Jun;29:1815-1824; Gonzalez-Perez P et al. Neuromuscul Disord, 2020 Mar;30:213-218; external communication). This amino acid position is highly conserved in available vertebrate species. In addition, this alteration is predicted to be deleterious by in silico analysis. Based on data from gnomAD, the frequency for this variant is above the maximum credible frequency for a disease-causing variant in this gene based on internally established thresholds (Karczewski et al. Nature. 2020 May;581(7809):434-443; Whiffin et al. Genet Med. 2017 10;19:1151-1158). Based on the supporting evidence, this variant is interpreted as a disease-causing mutation.

Women's Health and Genetics/Laboratory Corporation of America, LabCorp
Classification: Pathogenic for Muscular dystrophy-dystroglycanopathy (congenital with brain and eye anomalies), type A5. Last evaluated: 2026-02-23. Review status: criteria provided, single submitter. Criteria: LabCorp Variant Classification Summary - May 2015. Collection method: clinical testing. Allele origin: germline.
Comment: Variant summary: FKRP c.1073C>T (p.Pro358Leu) results in a non-conservative amino acid change in the encoded protein sequence. Algorithms developed to predict the effect of missense changes on protein structure and function all suggest that this variant is likely to be disruptive. The variant allele was found at a frequency of 0.00014 in 213340 control chromosomes. This frequency is not significantly higher than estimated for disease-causing variants in FKRP, allowing no conclusion about variant significance. c.1073C>T has been observed in multiple individuals affected with autosomal recessive limb-girdle muscular dystrophy (e.g. Paula_2003, Boito_2005, Sframeli_2017, Wu_2018, Goodyer_2019, Gonzalez-Perez_2020, Beecroft_2020, Krenn_2022). These data indicate that the variant is very likely to be associated with disease. To our knowledge, no experimental evidence demonstrating an impact on protein function has been reported. The following publications have been ascertained in the context of this evaluation (PMID: 32153140, 17952692, 32115343, 31638414, 35239206, 32429923, 14647208, 28688748, 29382405). ClinVar contains an entry for this variant (Variation ID: 167072). Based on the evidence outlined above, the variant was classified as pathogenic.

Labcorp Genetics (formerly Invitae), Labcorp
Classification: Pathogenic for Walker-Warburg congenital muscular dystrophy. Last evaluated: 2026-01-14. Review status: criteria provided, single submitter. Criteria: Invitae Variant Classification Sherloc (09022015). Collection method: clinical testing. Allele origin: germline.
Comment: This sequence change replaces proline, which is neutral and non-polar, with leucine, which is neutral and non-polar, at codon 358 of the FKRP protein (p.Pro358Leu). This variant is present in population databases (rs143031195, gnomAD 0.2%). This missense change has been observed in individual(s) with limb-girdle muscular dystrophy (PMID: 14647208, 16344347, 17952692; internal data). In at least one individual the data is consistent with being in trans (on the opposite chromosome) from a pathogenic variant. ClinVar contains an entry for this variant (Variation ID: 167072). Invitae Evidence Modeling of protein sequence and biophysical properties (such as structural, functional, and spatial information, amino acid conservation, physicochemical variation, residue mobility, and thermodynamic stability) indicates that this missense variant is expected to disrupt FKRP protein function with a positive predictive value of 95%. For these reasons, this variant has been classified as Pathogenic.

Natera, Inc.
Classification: Pathogenic for Limb-girdle muscular dystrophy type 2I. Last evaluated: 2026-01-05. Review status: criteria provided, single submitter. Criteria: Natera Variant Classification Schema (03/2026). Collection method: clinical testing. Allele origin: germline.
Comment: The c.1073C>T variant in FKRP is a missense variant predicted to cause substitution of proline to leucine at amino acid 358. This variant is rare in the general population with a frequency below the threshold expected for the associated phenotype(s). This variant has been observed in one or more individuals affected with the associated recessive disease, as either homozygous or compound heterozygous with a second variant (PMID: 29382405, 32429923, 32115343, 17952692, 32153140). Computational prediction algorithms indicate this variant is likely to affect gene or protein function. Given the available evidence, this variant is classified as Pathogenic.

GeneDx
Classification: Uncertain significance. Last evaluated: 2025-08-27. Review status: criteria provided, single submitter. Criteria: GeneDx Variant Classification Process June 2021. Collection method: clinical testing. Allele origin: germline. Affected: yes.
Comment: Identified in apparently homozygous or compound heterozygous state in patients with limb-girdle muscular dystrophy (LGMD) or dystroglycanopathies in published literature (PMID: 16344347, 37476387, 35239206, 32115343, 32429923, 17952692, 14647208, 18645206); Missense variants in this gene are a common cause of disease and they are underrepresented in the general population; In silico analysis supports that this missense variant has a deleterious effect on protein structure/function; This variant is associated with the following publications: (PMID: 21293871, 25898921, 31638414, 32342672, 18645206, 30564623, 27439679, 37154180, 14647208, 17952692, 32115343, 35239206, 32429923, 37476387, 16344347, 38127101, 30709774)

Dasa
Classification: Pathogenic. Last evaluated: 2024-12-03. Review status: criteria provided, single submitter. Criteria: DASA Assertion Criteria. Collection method: clinical testing. Allele origin: germline.
Comment: NM_024301.5(FKRP):c.1073C>T (p.Pro358Leu) is a missense variant that results in the substitution of proline with leucine. The affected residue or protein region has prior evidence supporting clinical relevance. This variant has been observed in affected individuals with related phenotype in a genotype context consistent with recessive disease. Multiple computational predictions support a deleterious effect on the gene or gene product. Based on the available data, this variant is classified as pathogenic.

Blueprint Genetics
Classification: Pathogenic for FKRP-related disorders. Last evaluated: 2024-11-25. Review status: criteria provided, single submitter. Criteria: ACMG Guidelines, 2015. Collection method: clinical testing. Allele origin: germline. Affected: yes. Observed: 2 variant alleles.

Baylor Genetics
Classification: Pathogenic for Muscular dystrophy-dystroglycanopathy (congenital with brain and eye anomalies), type A5. Last evaluated: 2024-03-26. Review status: criteria provided, single submitter. Criteria: ACMG Guidelines, 2015. Collection method: clinical testing. Allele origin: unknown.

Fulgent Genetics
Classification: Pathogenic for Muscular dystrophy-dystroglycanopathy type B5; Autosomal recessive limb-girdle muscular dystrophy type 2I; Muscular dystrophy-dystroglycanopathy (congenital with brain and eye anomalies), type A5. Last evaluated: 2024-03-12. Review status: criteria provided, single submitter. Criteria: ACMG Guidelines, 2015. Collection method: clinical testing. Allele origin: germline.

NM_024301.5(FKRP):c.1073C>T (p.Pro358Leu)

Gene: FKRP (fukutin related protein; plus strand). Cytogenetic location: 19q13.32.
Variant type: single nucleotide variant.
Coding change: c.1073C>T on transcript NM_024301.5 (MANE Select); coding-DNA position 1073, C replaced by T.
Protein change: p.Pro358Leu; replaces proline 358 with leucine.
Molecular consequence: missense variant.
Genome position (GRCh38, 1-based): chr19:46,756,523, C>T. VCF-style: chr19-46756523-C-T. GRCh37 (hg19) VCF-style: chr19-47259780-C-T.
Other names: c.1073C>T, p.Pro358Leu (NM_001039885.3); short protein forms P358L.
Identifiers: ClinVar variation 167072 (VCV000167072.42), dbSNP rs143031195, ClinGen allele CA234007.